The following is an entry in ClinVar:

NM_000388.4(CASR):c.166G>A (p.Glu56Lys)

Gene: CASR (calcium sensing receptor; plus strand). Cytogenetic location: 3q21.1.
Variant type: single nucleotide variant.
Coding change: c.166G>A on transcript NM_000388.4 (MANE Select); coding-DNA position 166, G replaced by A.
Protein change: p.Glu56Lys; replaces glutamic acid 56 with lysine.
Molecular consequence: missense variant.
Genome position (GRCh38, 1-based): chr3:122,254,355, G>A. VCF-style: chr3-122254355-G-A. GRCh37 (hg19) VCF-style: chr3-121973202-G-A.
Other names: c.166G>A, p.Glu56Lys (NM_001178065.2); short protein forms E56K.
Identifiers: ClinVar variation 4994837 (VCV004994837.1).

ClinVar aggregate classification (germline): Uncertain significance (1 of 4 stars; one submission).

Conditions:
CASR-related disorder. Also called: CASR-related condition.

Submission:

PreventionGenetics, part of Exact Sciences
Classification: Uncertain significance for CASR-related condition. Last evaluated: 2026-05-14. Review status: criteria provided, single submitter. Criteria: ACMG Guidelines, 2015. Collection method: clinical testing. Allele origin: germline.
Comment: The CASR c.166G>A variant is predicted to result in the amino acid substitution p.Glu56Lys. To our knowledge, this variant has not been reported in the literature or in a large population database (gnomAD), indicating this variant is rare. An alternate missense variant at the same amino acid position (p.Glu56Asp) has been reported in an individual with familial hypocalciuric hypercalcemia (Park et al. 2022. PubMed ID: 35586626). At this time, the clinical significance of the p.Glu56Lys variant is uncertain due to the absence of conclusive functional and genetic evidence.